The following is an entry in ClinVar:

ClinVar aggregate classification (germline): Uncertain significance (1 of 4 stars; one submission).

Allele frequency attached by ClinVar (database versions not stated): gnomAD exomes 0.00001 and below 0.00001.
gnomAD v4.1: 5 of 1,614,170 alleles (0.00031%); highest among the groups gnomAD compares: Non-Finnish European, 0.00042%; no homozygotes.

Submission:

Genetic Services Laboratory, University of Chicago
Classification: Uncertain significance. Last evaluated: 2020-11-06. Review status: criteria provided, single submitter. Criteria: ACMG Guidelines, 2015. Collection method: clinical testing. Allele origin: germline. Affected: no.
Comment: DNA sequence analysis of the FANCD2 gene demonstrated a sequence change, c.4274C>A, in exon 43 that results in an amino acid change, p.Ala1425Asp. This sequence change does not appear to have been previously described in patients with FANCD2-related disorders and has been described in the gnomAD database in one individual with an overall population frequency of 0.0004% (dbSNP rs1031002548). The p.Ala1425Asp change affects a poorly conserved amino acid residue located in a domain of the FANCD2 protein that is not known to be functional. The p.Ala1425Asp substitution appears to be benign using several in-silico pathogenicity prediction tools (SIFT, PolyPhen2, Align GVGD, REVEL). Due to these contrasting evidences and the lack of functional studies, the clinical significance of the p.Ala1425Asp change remains unknown at this time.

NM_001018115.3(FANCD2):c.4274C>A (p.Ala1425Asp)

Genes: FANCD2OS (FANCD2 opposite strand; minus strand), FANCD2 (FA complementation group D2; plus strand). Cytogenetic location: 3p25.3.
Variant type: single nucleotide variant.
Coding change: c.4274C>A on transcript NM_001018115.3 (MANE Select); coding-DNA position 4274, C replaced by A.
Protein change: p.Ala1425Asp; replaces alanine 1425 with aspartic acid.
Molecular consequence: missense variant. On other transcripts: intron variant (1).
Genome position (GRCh38, 1-based): chr3:10,098,808, C>A. VCF-style: chr3-10098808-C-A. GRCh37 (hg19) VCF-style: chr3-10140492-C-A.
Other names: c.4274C>A, p.Ala1425Asp (NM_001319984.2, NM_033084.6); c.4163C>A, p.Ala1388Asp (NM_001374253.1); c.4235C>A, p.Ala1412Asp (NM_001374254.1); c.*43+5390G>T (NM_173472.2); short protein forms A1388D, A1412D, A1425D.
Identifiers: ClinVar variation 1337774 (VCV001337774.5), dbSNP rs1031002548, ClinGen allele CA70039667.